The following is an entry in ClinVar:

ClinVar aggregate classification (germline): Uncertain significance (1 of 4 stars; one submission).

Allele frequency attached by ClinVar (database versions not stated): ExAC 0.00001; gnomAD 0.00001; 1000 Genomes Project 30x 0.00016; 1000 Genomes Project 0.00020.
gnomAD v4.1: 1 of 1,614,252 alleles (0.000062%); highest among the groups gnomAD compares: African/African-American, 0.0013%; no homozygotes.

Submission:

Labcorp Genetics (formerly Invitae), Labcorp
Classification: Uncertain significance. Last evaluated: 2023-05-07. Review status: criteria provided, single submitter. Criteria: Invitae Variant Classification Sherloc (09022015). Collection method: clinical testing. Allele origin: germline.
Comment: This variant has not been reported in the literature in individuals affected with CTNNA1-related conditions. This sequence change replaces glutamine, which is neutral and polar, with arginine, which is basic and polar, at codon 250 of the CTNNA1 protein (p.Gln250Arg). This variant is present in population databases (rs200873942, gnomAD 0.007%). Advanced modeling of protein sequence and biophysical properties (such as structural, functional, and spatial information, amino acid conservation, physicochemical variation, residue mobility, and thermodynamic stability) performed at Invitae indicates that this missense variant is not expected to disrupt CTNNA1 protein function. In summary, the available evidence is currently insufficient to determine the role of this variant in disease. Therefore, it has been classified as a Variant of Uncertain Significance.

NM_001903.5(CTNNA1):c.749A>G (p.Gln250Arg)

Gene: CTNNA1 (catenin alpha 1; plus strand). Cytogenetic location: 5q31.2.
Variant type: single nucleotide variant.
Coding change: c.749A>G on transcript NM_001903.5 (MANE Select); coding-DNA position 749, A replaced by G.
Protein change: p.Gln250Arg; replaces glutamine 250 with arginine.
Molecular consequence: missense variant.
Genome position (GRCh38, 1-based): chr5:138,824,690, A>G. VCF-style: chr5-138824690-A-G. GRCh37 (hg19) VCF-style: chr5-138160379-A-G.
Other names: c.749A>G, p.Gln250Arg (NM_001290307.3, NM_001323982.2, NM_001323983.1 and 3 more transcripts); c.440A>G, p.Gln147Arg (NM_001290309.3); c.380A>G, p.Gln127Arg (NM_001290310.3); short protein forms Q147R, Q127R, Q250R.
Identifiers: ClinVar variation 2968137 (VCV002968137.3), dbSNP rs200873942, ClinGen allele CA3431549.